The following is an entry in ClinVar:

ClinVar aggregate classification (germline): Pathogenic. Review status: criteria provided, multiple submitters, no conflicts (2 of 4 stars). 8 submissions from 8 submitters: Pathogenic (6). 2 of the submissions do not count toward it. Last evaluated 2026-02-01.

Conditions:
Rare genetic deafness. Identifiers: Orphanet 96210, MedGen C5680250.
Autosomal dominant keratitis-ichthyosis-hearing loss syndrome. Also called: Senter syndrome; KID SYNDROME, AUTOSOMAL DOMINANT; HID SYNDROME. Identifiers: Orphanet 477, MedGen C0265336, MONDO:0007850, OMIM 148210.
Autosomal recessive nonsyndromic hearing loss 1A (DFNB1A). Also called: GJB2-Related Autosomal Recessive Nonsyndromic Hearing Loss; GJB6-Related DFNB 1 Nonsyndromic Hearing Loss and Deafness; Connexin 26 deafness; Deafness nonsyndromic, Connexin 26 linked; Nonsyndromic Hearing Loss and Deafness, DFNB1; Deafness, autosomal recessive 1A. Identifiers: Orphanet 90636, MedGen C2673759, MONDO:0009076, OMIM 220290.
Palmoplantar keratoderma-deafness syndrome. Also called: Keratoderma palmoplantar, with deafness; Palmoplantar keratoderma and sensorineural deafness; Hereditary palmoplantar keratoderma with deafness (subtype); Focal palmoplantar keratoderma with sensorineural deafness (subtype); Diffuse palmoplantar keratoderma with deafness (subtype). Identifiers: Orphanet 2202, MedGen C1835672, MONDO:0007852, OMIM 148350.
Ichthyosis, hystrix-like, with hearing loss. Also called: Hystrix-like ichthyosis with deafness. Identifiers: Orphanet 477, MedGen C1865234, MONDO:0011245.
Knuckle pads, deafness AND leukonychia syndrome. Also called: Bart-Pumphrey syndrome. Identifiers: Orphanet 2698, MedGen C0266004, MONDO:0007866, OMIM 149200.
Autosomal dominant nonsyndromic hearing loss 3A. Identifiers: Orphanet 90635, MedGen C2675750, MONDO:0011103, OMIM 601544.
Mutilating keratoderma (VOWNKL). Also called: Keratoderma hereditarium mutilans. Identifiers: Orphanet 494, MedGen C0265964, MONDO:0007422, OMIM 124500.

Allele frequency attached by ClinVar (database versions not stated): gnomAD exomes below 0.00001.
gnomAD v4.1: 1 of 1,614,176 alleles (0.000062%); highest among the groups gnomAD compares: East Asian, 0.0022%; no homozygotes.

Submissions (8):

Department of Otolaryngology Head and Neck Surgery, Hainan Hospital of the Chinese People’s Liberation Army General Hospital
Classification: Pathogenic for Autosomal recessive nonsyndromic hearing loss 1A. Last evaluated: 2026-02-01. Review status: criteria provided, single submitter. Criteria: ACMG Guidelines, 2015. Collection method: clinical testing. Allele origin: germline. Affected: no. Observed: 1 variant allele.
Comment: The GJB2 c.230G>A (p.Trp77Ter) variant is a nonsense mutation that was first reported as a novel pathogenic variant in the Chinese population(Accession: VCV000189176.18) (Chen 2006). It has been identified in Chinese individuals with autosomal recessive nonsyndromic hearing loss, including compound heterozygosity with c.235delC presenting with moderate-to-severe sensorineural hearing loss . This variant was among the 10 GJB2 pathogenic variants identified in a large Chinese cohort of 695 NSHL patients (Gao 2016). It introduces a premature termination codon at position 77, leading to nonsense-mediated decay or a truncated non-functional protein (PVS1).

GeneDx
Classification: Pathogenic. Last evaluated: 2025-07-01. Review status: criteria provided, single submitter. Criteria: GeneDx Variant Classification Process June 2021. Collection method: clinical testing. Allele origin: germline. Affected: yes.
Comment: Nonsense variant predicted to result in protein truncation, as the last 150 amino acid(s) are lost, and other loss-of-function variants have been reported downstream in HGMD; Not observed at significant frequency in large population cohorts (gnomAD); This variant is associated with the following publications: (PMID: 30275481, 12792423, 22975760, 30146550, 26061099, 31160754, 34276761, 33187236, 33614373, 36597107, 37561809, 36048236, 35314707, MurtazaM2021[Article], 22695344)

Fulgent Genetics
Classification: Pathogenic for Mutilating keratoderma; Autosomal dominant keratitis-ichthyosis-hearing loss syndrome; Palmoplantar keratoderma-deafness syndrome; Knuckle pads, deafness AND leukonychia syndrome; Autosomal recessive nonsyndromic hearing loss 1A; Autosomal dominant nonsyndromic hearing loss 3A. Last evaluated: 2024-06-20. Review status: criteria provided, single submitter. Criteria: ACMG Guidelines, 2015. Collection method: clinical testing. Allele origin: germline.

Labcorp Genetics (formerly Invitae), Labcorp
Classification: Pathogenic. Last evaluated: 2024-01-21. Review status: criteria provided, single submitter. Criteria: Invitae Variant Classification Sherloc (09022015). Collection method: clinical testing. Allele origin: germline.
Comment: This sequence change creates a premature translational stop signal (p.Trp77*) in the GJB2 gene. While this is not anticipated to result in nonsense mediated decay, it is expected to disrupt the last 150 amino acid(s) of the GJB2 protein. This variant is present in population databases (rs104894395, gnomAD 0.006%). This premature translational stop signal has been observed in individuals with autosomal recessive nonsyndromic hearing loss (PMID: 12792423, 30146550). ClinVar contains an entry for this variant (Variation ID: 189176). This variant disrupts a region of the GJB2 protein in which other variant(s) (p.Lys112Glufs*2) have been determined to be pathogenic (PMID: 9529365, 23141775). This suggests that this is a clinically significant region of the protein, and that variants that disrupt it are likely to be disease-causing. For these reasons, this variant has been classified as Pathogenic.

Laboratory for Molecular Medicine, Mass General Brigham Personalized Medicine
Classification: Pathogenic for Rare genetic deafness. Last evaluated: 2016-02-25. Review status: criteria provided, single submitter. Criteria: LMM Criteria. Collection method: clinical testing. Allele origin: germline. Inheritance: Autosomal recessive inheritance. Observed: 1 variant allele.
Comment: The p.Trp77X variant in GJB2 has been reported in several individuals with heari ng loss who were either homozygous or compound heterozygous for a second pathoge nic variant in GJB2 (Hwa 2003, Bazazzagedan 2012, Huang 2015). This variant has not been reported in large population studies. This nonsense variant leads to a premature termination codon at position 77, which is predicted to lead to a tru ncated or absent protein. Loss of function of the GJB2 gene is an established di sease mechanism in autosomal recessive nonsyndromic hearing loss. In addition, a nother nonsense variant at an adjacent nucleotide position (c.231G>A) resulting in the same amino acid change has also been reported in many individuals with he aring loss (Kelsell 1997, Scott 1998, Rickard 2001, Santos 2005, Mani 2008, Padm a 2009, Shafique 2014). Several individuals have been reported with the p.Trp77 X variant; however, the nucleotide change was not described (Cheng 2005, Bajaj 2 008, Bhalla 2009). In summary, this variant meets our criteria to be classified as pathogenic for autosomal recessive hearing loss based upon the predicted impa ct of the variant and multiple occurrences in the homozygous state as well as in compound heterozygosity with pathogenic GJB2 variants in individuals with heari ng loss.

Juno Genomics, Hangzhou Juno Genomics, Inc
Classification: Pathogenic for Mutilating keratoderma; Knuckle pads, deafness AND leukonychia syndrome; Autosomal dominant nonsyndromic hearing loss 3A; Autosomal recessive nonsyndromic hearing loss 1A; Autosomal dominant keratitis-ichthyosis-hearing loss syndrome; Palmoplantar keratoderma-deafness syndrome. Review status: criteria provided, single submitter. Criteria: ACMG Guidelines, 2015. Collection method: clinical testing. Allele origin: germline.
Comment: Absent from controls (or at extremely low frequency if recessive) in Genome Aggregation Database.;Null variant in a gene where loss of function (LOF) is a known mechanism of disease.;For recessive disorders, detected in trans with a pathogenic variant.

Natera, Inc.
Classification: Pathogenic for Autosomal recessive deafness type 1A. Last evaluated: 2020-09-16. Review status: no assertion criteria provided. Collection method: clinical testing. Allele origin: germline. Not counted in ClinVar's aggregate classification.

Counsyl
Classification: Likely pathogenic for Deafness, autosomal recessive 1A. Last evaluated: 2015-02-11. Review status: no assertion criteria provided. Collection method: literature only. Allele origin: unknown. Inheritance: Autosomal recessive inheritance. Not counted in ClinVar's aggregate classification.

Literature cited by the submitters: PubMed 17313762 (cited by Department of Otolaryngology Head and Neck Surgery, Hainan Hospital of the Chinese People’s Liberation Army General Hospital); PubMed 27792752 (cited by Department of Otolaryngology Head and Neck Surgery, Hainan Hospital of the Chinese People’s Liberation Army General Hospital); PubMed 12792423 (cited by 3 submitters); PubMed 30146550 (cited by Labcorp Genetics (formerly Invitae), Labcorp); PubMed 9529365 (cited by Labcorp Genetics (formerly Invitae), Labcorp); PubMed 23141775 (cited by Labcorp Genetics (formerly Invitae), Labcorp); PubMed 22695344 (cited by Laboratory for Molecular Medicine, Mass General Brigham Personalized Medicine and Counsyl); PubMed 26061099 (cited by Laboratory for Molecular Medicine, Mass General Brigham Personalized Medicine); PubMed 19465004 (cited by Laboratory for Molecular Medicine, Mass General Brigham Personalized Medicine); PubMed 20086291 (cited by Laboratory for Molecular Medicine, Mass General Brigham Personalized Medicine); PubMed 24949729 (cited by Laboratory for Molecular Medicine, Mass General Brigham Personalized Medicine); PubMed 16222667 (cited by Laboratory for Molecular Medicine, Mass General Brigham Personalized Medicine); PubMed 18983339 (cited by Laboratory for Molecular Medicine, Mass General Brigham Personalized Medicine); PubMed 9139825 (cited by Laboratory for Molecular Medicine, Mass General Brigham Personalized Medicine); PubMed 11494963 (cited by Laboratory for Molecular Medicine, Mass General Brigham Personalized Medicine); PubMed 9600457 (cited by Laboratory for Molecular Medicine, Mass General Brigham Personalized Medicine); PubMed 15656949 (cited by Laboratory for Molecular Medicine, Mass General Brigham Personalized Medicine); PubMed 18941476 (cited by Laboratory for Molecular Medicine, Mass General Brigham Personalized Medicine); PubMed 19707039 (cited by Counsyl).

NM_004004.6(GJB2):c.230G>A (p.Trp77Ter)

Gene: GJB2 (gap junction protein beta 2; minus strand). Cytogenetic location: 13q12.11.
Variant type: single nucleotide variant.
Coding change: c.230G>A on transcript NM_004004.6 (MANE Select); coding-DNA position 230, G replaced by A.
Protein change: p.Trp77Ter; replaces tryptophan 77 with a stop codon.
Molecular consequence: nonsense.
Genome position (GRCh38, 1-based): chr13:20,189,352, C>T on the plus strand (G>A on the coding strand, the complement: GJB2 is on the minus strand). VCF-style: chr13-20189352-C-T. GRCh37 (hg19) VCF-style: chr13-20763491-C-T.
Other names: short protein forms W77*.
Identifiers: ClinVar variation 189176 (VCV000189176.21), dbSNP rs104894395, ClinGen allele CA274460.